The following is an entry in ClinVar:

ClinVar aggregate classification (germline): Uncertain significance (1 of 4 stars; one submission).

Allele frequency attached by ClinVar (database versions not stated): gnomAD exomes below 0.00001.
gnomAD v4.1: 2 of 1,612,298 alleles (0.00012%); highest among the groups gnomAD compares: Non-Finnish European, 0.00017%; no homozygotes.

Submission:

Labcorp Genetics (formerly Invitae), Labcorp
Classification: Uncertain significance. Last evaluated: 2022-07-19. Review status: criteria provided, single submitter. Criteria: Invitae Variant Classification Sherloc (09022015). Collection method: clinical testing. Allele origin: germline.
Comment: This sequence change replaces lysine, which is basic and polar, with arginine, which is basic and polar, at codon 1254 of the MCM3AP protein (p.Lys1254Arg). This variant is not present in population databases (gnomAD no frequency). This variant has not been reported in the literature in individuals affected with MCM3AP-related conditions. ClinVar contains an entry for this variant (Variation ID: 1513625). Algorithms developed to predict the effect of missense changes on protein structure and function are either unavailable or do not agree on the potential impact of this missense change (SIFT: "Tolerated"; PolyPhen-2: "Probably Damaging"; Align-GVGD: "Class C0"). Algorithms developed to predict the effect of sequence changes on RNA splicing suggest that this variant may create or strengthen a splice site. In summary, the available evidence is currently insufficient to determine the role of this variant in disease. Therefore, it has been classified as a Variant of Uncertain Significance.

NM_003906.5(MCM3AP):c.3761A>G (p.Lys1254Arg)

Gene: MCM3AP (minichromosome maintenance complex component 3 associated protein; minus strand). Cytogenetic location: 21q22.3.
Variant type: single nucleotide variant.
Coding change: c.3761A>G on transcript NM_003906.5 (MANE Select); coding-DNA position 3761, A replaced by G.
Protein change: p.Lys1254Arg; replaces lysine 1254 with arginine.
Molecular consequence: missense variant.
Genome position (GRCh38, 1-based): chr21:46,256,960, T>C on the plus strand (A>G on the coding strand, the complement: MCM3AP is on the minus strand). VCF-style: chr21-46256960-T-C. GRCh37 (hg19) VCF-style: chr21-47676874-T-C.
Other names: short protein forms K1254R.
Identifiers: ClinVar variation 1513625 (VCV001513625.3), dbSNP rs2145651126, ClinGen allele CA410551331.